The following is an entry in ClinVar:

NM_001365999.1(SZT2):c.1791C>T (p.His597=)

Gene: SZT2 (SZT2 subunit of KICSTOR complex; plus strand). Cytogenetic location: 1p34.2.
Variant type: single nucleotide variant.
Coding change: c.1791C>T on transcript NM_001365999.1 (MANE Select); coding-DNA position 1791, C replaced by T.
Protein change: p.His597=; no amino-acid change (histidine 597 retained).
Molecular consequence: synonymous variant.
Genome position (GRCh38, 1-based): chr1:43,422,501, C>T. VCF-style: chr1-43422501-C-T. GRCh37 (hg19) VCF-style: chr1-43888172-C-T.
Other names: c.1791C>T, p.His597= (NM_015284.4).
Identifiers: ClinVar variation 416953 (VCV000416953.43), dbSNP rs151110718, ClinGen allele CA808516.

ClinVar aggregate classification (germline): Likely benign. Review status: criteria provided, multiple submitters, no conflicts (2 of 4 stars). 9 submissions from 9 submitters: Likely benign (7). 2 of the submissions do not count toward it. Last evaluated 2025-12-27.

Conditions:
Inborn genetic diseases. Identifiers: MedGen C0950123, MeSH D030342.
Developmental and epileptic encephalopathy, 18 (DEE18). Also called: Early infantile epileptic encephalopathy 18. Identifiers: Orphanet 369894, MedGen C3809624, MONDO:0014201, OMIM 615476.

Allele frequency attached by ClinVar (database versions not stated): ExAC 0.00043; gnomAD exomes 0.00043 and 0.00100; TOPMed 0.00051; ESP Exome Variant Server 0.00052; gnomAD 0.00054 and 0.00055.
gnomAD v4.1: 1,517 of 1,592,748 alleles (0.095%); highest among the groups gnomAD compares: Non-Finnish European, 0.12%; 1 homozygote.

Submissions (9):

Labcorp Genetics (formerly Invitae), Labcorp
Classification: Likely benign. Last evaluated: 2025-12-27. Review status: criteria provided, single submitter. Criteria: Invitae Variant Classification Sherloc (09022015). Collection method: clinical testing. Allele origin: germline.

Blueprint Genetics
Classification: Likely benign. Last evaluated: 2024-11-26. Review status: criteria provided, single submitter. Criteria: ACMG Guidelines, 2015. Collection method: clinical testing. Allele origin: germline.

CeGaT Center for Human Genetics Tuebingen
Classification: Likely benign. Last evaluated: 2024-09-01. Review status: criteria provided, single submitter. Criteria: CeGaT Center For Human Genetics Tuebingen Variant Classification Criteria Version 2. Collection method: clinical testing. Allele origin: germline. Affected: yes. Observed: 4 variant alleles.
Comment: SZT2: BP4, BP7

Genome-Nilou Lab
Classification: Likely benign for Developmental and epileptic encephalopathy, 18. Last evaluated: 2023-04-11. Review status: criteria provided, single submitter. Criteria: ACMG Guidelines, 2015. Collection method: clinical testing. Allele origin: germline. Affected: no.

GeneDx
Classification: Likely benign. Last evaluated: 2021-10-23. Review status: criteria provided, single submitter. Criteria: GeneDx Variant Classification Process June 2021. Collection method: clinical testing. Allele origin: germline. Affected: yes.

Ambry Genetics
Classification: Likely benign for Inborn genetic diseases. Last evaluated: 2017-09-20. Review status: criteria provided, single submitter. Criteria: Ambry Variant Classification Scheme 2023. Collection method: clinical testing. Allele origin: germline.

Breakthrough Genomics
Classification: Likely benign. Review status: criteria provided, single submitter. Criteria: ACMG Guidelines, 2015. Collection method: not provided. Allele origin: germline. Inheritance: Autosomal recessive inheritance. Affected: yes.

Clinical Genetics DNA and cytogenetics Diagnostics Lab, Erasmus MC, Erasmus Medical Center
Classification: Likely benign. Review status: no assertion criteria provided. Collection method: clinical testing. Allele origin: germline. Affected: yes. Study: VKGL Data-share Consensus. Not counted in ClinVar's aggregate classification.

Genome Diagnostics Laboratory, University Medical Center Utrecht
Classification: Likely benign. Review status: no assertion criteria provided. Collection method: clinical testing. Allele origin: germline. Affected: yes. Study: VKGL Data-share Consensus. Not counted in ClinVar's aggregate classification.